The following is an entry in ClinVar:

ClinVar aggregate classification (germline): Uncertain significance. Review status: criteria provided, multiple submitters, no conflicts (2 of 4 stars). 3 submissions from 3 submitters: Uncertain significance (3). Last evaluated 2025-08-24.

Conditions:
Familial thoracic aortic aneurysm and aortic dissection (TAAD). Also called: Thoracic aortic aneurysms and dissections. Identifiers: Orphanet 91387, MedGen C4707243, MONDO:0019625.
Ehlers-Danlos syndrome, type 4 (EDSVASC). Also called: Ehlers-Danlos Syndrome Type IV; Ehlers-Danlos syndrome vascular type; Ehlers Danlos syndrome, ecchymotic type; Ehlers Danlos syndrome, arterial type; Ehlers Danlos syndrome, Sack-Barabas type. Identifiers: Orphanet 286, MedGen C0268338, MONDO:0017314, OMIM 130050.

Allele frequency attached by ClinVar (database versions not stated): gnomAD exomes below 0.00001; TOPMed below 0.00001.

Submissions (3):

Color Diagnostics, LLC DBA Color Health
Classification: Uncertain significance for Familial thoracic aortic aneurysm and aortic dissection. Last evaluated: 2025-08-24. Review status: criteria provided, single submitter. Criteria: ACMG Guidelines, 2015. Collection method: clinical testing. Allele origin: germline.
Comment: This missense variant replaces alanine with proline at codon 1402 of the COL3A1 protein. Computational prediction suggests that this variant may have deleterious impact on protein structure and function. To our knowledge, functional studies have not been reported for this variant. This variant has not been reported in individuals affected with COL3A1-related disorders in the literature. This variant has not been identified in the general population by the Genome Aggregation Database (gnomAD). The available evidence is insufficient to determine the role of this variant in disease conclusively. Therefore, this variant is classified as a Variant of Uncertain Significance.

Labcorp Genetics (formerly Invitae), Labcorp
Classification: Uncertain significance for Ehlers-Danlos syndrome, type 4. Last evaluated: 2024-09-02. Review status: criteria provided, single submitter. Criteria: Invitae Variant Classification Sherloc (09022015). Collection method: clinical testing. Allele origin: germline.
Comment: This sequence change replaces alanine, which is neutral and non-polar, with proline, which is neutral and non-polar, at codon 1402 of the COL3A1 protein (p.Ala1402Pro). This variant is not present in population databases (gnomAD no frequency). This variant has not been reported in the literature in individuals affected with COL3A1-related conditions. Invitae Evidence Modeling of protein sequence and biophysical properties (such as structural, functional, and spatial information, amino acid conservation, physicochemical variation, residue mobility, and thermodynamic stability) indicates that this missense variant is not expected to disrupt COL3A1 protein function with a negative predictive value of 95%. In summary, the available evidence is currently insufficient to determine the role of this variant in disease. Therefore, it has been classified as a Variant of Uncertain Significance.

All of Us Research Program, National Institutes of Health
Classification: Uncertain significance for Ehlers-Danlos syndrome, type 4. Last evaluated: 2023-06-28. Review status: criteria provided, single submitter. Criteria: ACMG Guidelines, 2015. Collection method: clinical testing. Allele origin: germline. Inheritance: Autosomal dominant inheritance. Observed: 2 variant alleles, 2 heterozygotes.
Comment: This missense variant replaces alanine with proline at codon 1402 of the COL3A1 protein. Computational prediction suggests that this variant may have deleterious impact on protein structure and function (internally defined REVEL score threshold >= 0.7, PMID: 27666373). To our knowledge, functional studies have not been reported for this variant. This variant has not been reported in individuals affected with COL3A1-related disorders in the literature. This variant has not been identified in the general population by the Genome Aggregation Database (gnomAD). The available evidence is insufficient to determine the role of this variant in disease conclusively. Therefore, this variant is classified as a Variant of Uncertain Significance.

This study involves interpretation of variants in research participants for the purpose of population health screening. Participant phenotype was not available at the time of variant classification. Additional details can be found in publication PMID: 35346344, PMCID: PMC8962531

NM_000090.4(COL3A1):c.4204G>C (p.Ala1402Pro)

Gene: COL3A1 (collagen type III alpha 1 chain; plus strand). Cytogenetic location: 2q32.2.
Variant type: single nucleotide variant.
Coding change: c.4204G>C on transcript NM_000090.4 (MANE Select); coding-DNA position 4204, G replaced by C.
Protein change: p.Ala1402Pro; replaces alanine 1402 with proline.
Molecular consequence: missense variant.
Genome position (GRCh38, 1-based): chr2:189,010,840, G>C. VCF-style: chr2-189010840-G-C. GRCh37 (hg19) VCF-style: chr2-189875566-G-C.
Other names: short protein forms A1402P.
Identifiers: ClinVar variation 3071796 (VCV003071796.4), dbSNP rs1688708466, ClinGen allele CA349849619.